The following is an entry in ClinVar:

NM_018026.4(PACS1):c.2021G>T (p.Gly674Val)

Gene: PACS1 (phosphofurin acidic cluster sorting protein 1; plus strand). Cytogenetic location: 11q13.2.
Variant type: single nucleotide variant.
Coding change: c.2021G>T on transcript NM_018026.4 (MANE Select); coding-DNA position 2021, G replaced by T.
Protein change: p.Gly674Val; replaces glycine 674 with valine.
Molecular consequence: missense variant.
Genome position (GRCh38, 1-based): chr11:66,234,159, G>T. VCF-style: chr11-66234159-G-T. GRCh37 (hg19) VCF-style: chr11-66001630-G-T.
Other names: short protein forms G674V.
Identifiers: ClinVar variation 2126955 (VCV002126955.4), dbSNP rs777060871, ClinGen allele CA381373982.

ClinVar aggregate classification (germline): Uncertain significance (1 of 4 stars; one submission).

Conditions:
Schuurs-Hoeijmakers syndrome. Also called: PACS1-Related Neurodevelopmental Disorder. Identifiers: Orphanet 329224, MedGen C3554343, MONDO:0014006, OMIM 615009.

Submission:

Labcorp Genetics (formerly Invitae), Labcorp
Classification: Uncertain significance for Schuurs-Hoeijmakers syndrome. Last evaluated: 2022-04-16. Review status: criteria provided, single submitter. Criteria: Invitae Variant Classification Sherloc (09022015). Collection method: clinical testing. Allele origin: germline.
Comment: In summary, the available evidence is currently insufficient to determine the role of this variant in disease. Therefore, it has been classified as a Variant of Uncertain Significance. Algorithms developed to predict the effect of missense changes on protein structure and function are either unavailable or do not agree on the potential impact of this missense change (SIFT: "Tolerated"; PolyPhen-2: "Probably Damaging"; Align-GVGD: "Class C0"). This variant has not been reported in the literature in individuals affected with PACS1-related conditions. This variant is not present in population databases (gnomAD no frequency). This sequence change replaces glycine, which is neutral and non-polar, with valine, which is neutral and non-polar, at codon 674 of the PACS1 protein (p.Gly674Val).